The following is an entry in ClinVar:

NM_001372.4(DNAH9):c.889A>G (p.Arg297Gly)

Gene: DNAH9 (dynein axonemal heavy chain 9; plus strand). Cytogenetic location: 17p12.
Variant type: single nucleotide variant.
Coding change: c.889A>G on transcript NM_001372.4 (MANE Select); coding-DNA position 889, A replaced by G.
Protein change: p.Arg297Gly; replaces arginine 297 with glycine.
Molecular consequence: missense variant.
Genome position (GRCh38, 1-based): chr17:11,611,765, A>G. VCF-style: chr17-11611765-A-G. GRCh37 (hg19) VCF-style: chr17-11515082-A-G.
Other names: short protein forms R297G.
Identifiers: ClinVar variation 1469664 (VCV001469664.4), dbSNP rs113692148, ClinGen allele CA287802432.

ClinVar aggregate classification (germline): Uncertain significance (1 of 4 stars; one submission).

Allele frequency attached by ClinVar (database versions not stated): gnomAD exomes below 0.00001; TOPMed 0.00001.
gnomAD v4.1: 12 of 1,613,556 alleles (0.00074%); highest among the groups gnomAD compares: African/African-American, 0.0053%; no homozygotes.

Submission:

Labcorp Genetics (formerly Invitae), Labcorp
Classification: Uncertain significance. Last evaluated: 2022-09-21. Review status: criteria provided, single submitter. Criteria: Invitae Variant Classification Sherloc (09022015). Collection method: clinical testing. Allele origin: germline.
Comment: This sequence change replaces arginine, which is basic and polar, with glycine, which is neutral and non-polar, at codon 297 of the DNAH9 protein (p.Arg297Gly). This variant is not present in population databases (gnomAD no frequency). This variant has not been reported in the literature in individuals affected with DNAH9-related conditions. ClinVar contains an entry for this variant (Variation ID: 1469664). Advanced modeling of protein sequence and biophysical properties (such as structural, functional, and spatial information, amino acid conservation, physicochemical variation, residue mobility, and thermodynamic stability) performed at Invitae indicates that this missense variant is not expected to disrupt DNAH9 protein function. In summary, the available evidence is currently insufficient to determine the role of this variant in disease. Therefore, it has been classified as a Variant of Uncertain Significance.